The following is an entry in ClinVar:

ClinVar aggregate classification (germline): Uncertain significance. Review status: criteria provided, multiple submitters, no conflicts (2 of 4 stars). 2 submissions from 2 submitters: Uncertain significance (2). Last evaluated 2024-12-18.

Conditions:
Kabuki syndrome. Also called: Kabuki make-up syndrome; NIIKAWA-KUROKI SYNDROME. Identifiers: Orphanet 2322, MedGen C0796004, MONDO:0016512.

Allele frequency attached by ClinVar (database versions not stated): TOPMed below 0.00001; gnomAD exomes 0.00002.

Submissions (2):

Labcorp Genetics (formerly Invitae), Labcorp
Classification: Uncertain significance for Kabuki syndrome. Last evaluated: 2024-12-18. Review status: criteria provided, single submitter. Criteria: Invitae Variant Classification Sherloc (09022015). Collection method: clinical testing. Allele origin: germline.
Comment: This sequence change replaces glycine, which is neutral and non-polar, with glutamic acid, which is acidic and polar, at codon 423 of the KMT2D protein (p.Gly423Glu). This variant is not present in population databases (gnomAD no frequency). This variant has not been reported in the literature in individuals affected with KMT2D-related conditions. ClinVar contains an entry for this variant (Variation ID: 1304648). Invitae Evidence Modeling of protein sequence and biophysical properties (such as structural, functional, and spatial information, amino acid conservation, physicochemical variation, residue mobility, and thermodynamic stability) indicates that this missense variant is not expected to disrupt KMT2D protein function with a negative predictive value of 95%. In summary, the available evidence is currently insufficient to determine the role of this variant in disease. Therefore, it has been classified as a Variant of Uncertain Significance.

GeneDx
Classification: Uncertain significance. Last evaluated: 2021-03-10. Review status: criteria provided, single submitter. Criteria: GeneDx Variant Classification Process June 2021. Collection method: clinical testing. Allele origin: germline. Affected: yes.
Comment: In silico analysis supports that this missense variant does not alter protein structure/function; Has not been previously published as pathogenic or benign to our knowledge

NM_003482.4(KMT2D):c.1268G>A (p.Gly423Glu)

Gene: KMT2D (lysine methyltransferase 2D; minus strand). Cytogenetic location: 12q13.12.
Variant type: single nucleotide variant.
Coding change: c.1268G>A on transcript NM_003482.4 (MANE Select); coding-DNA position 1268, G replaced by A.
Protein change: p.Gly423Glu; replaces glycine 423 with glutamic acid.
Molecular consequence: missense variant.
Genome position (GRCh38, 1-based): chr12:49,052,415, C>T on the plus strand (G>A on the coding strand, the complement: KMT2D is on the minus strand). VCF-style: chr12-49052415-C-T. GRCh37 (hg19) VCF-style: chr12-49446198-C-T.
Other names: short protein forms G423E.
Identifiers: ClinVar variation 1304648 (VCV001304648.5), dbSNP rs944542233, ClinGen allele CA236621424.